The following is an entry in ClinVar:

NM_205768.3(ZBTB18):c.574A>G (p.Met192Val)

Gene: ZBTB18 (zinc finger and BTB domain containing 18; plus strand). Cytogenetic location: 1q44.
Variant type: single nucleotide variant.
Coding change: c.574A>G on transcript NM_205768.3 (MANE Select); coding-DNA position 574, A replaced by G.
Protein change: p.Met192Val; replaces methionine 192 with valine.
Molecular consequence: missense variant.
Genome position (GRCh38, 1-based): chr1:244,054,348, A>G. VCF-style: chr1-244054348-A-G. GRCh37 (hg19) VCF-style: chr1-244217650-A-G.
Other names: c.547A>G, p.Met183Val (NM_001278196.2, NM_006352.5); c.574A>G, p.Met192Val (NM_001421566.1); short protein forms M183V, M192V.
Identifiers: ClinVar variation 3713296 (VCV003713296.2).

ClinVar aggregate classification (germline): Uncertain significance (1 of 4 stars; one submission).

Submission:

Labcorp Genetics (formerly Invitae), Labcorp
Classification: Uncertain significance. Last evaluated: 2024-05-02. Review status: criteria provided, single submitter. Criteria: Invitae Variant Classification Sherloc (09022015). Collection method: clinical testing. Allele origin: germline.
Comment: This sequence change replaces methionine, which is neutral and non-polar, with valine, which is neutral and non-polar, at codon 192 of the ZBTB18 protein (p.Met192Val). This variant is not present in population databases (gnomAD no frequency). This variant has not been reported in the literature in individuals affected with ZBTB18-related conditions. Advanced modeling of protein sequence and biophysical properties (such as structural, functional, and spatial information, amino acid conservation, physicochemical variation, residue mobility, and thermodynamic stability) performed at Invitae indicates that this missense variant is not expected to disrupt ZBTB18 protein function with a negative predictive value of 95%. In summary, the available evidence is currently insufficient to determine the role of this variant in disease. Therefore, it has been classified as a Variant of Uncertain Significance.